The following is an entry in ClinVar:

NM_001394062.1(MACF1):c.21406del (p.Tyr7136fs)

Gene: MACF1 (microtubule actin crosslinking factor 1; plus strand). Cytogenetic location: 1p34.3.
Variant type: Deletion.
Coding change: c.21406del on transcript NM_001394062.1 (MANE Select); coding-DNA position 21406, one base deleted (T; older notation c.21406delT).
Protein change: p.Tyr7136fs; shifts the reading frame from tyrosine 7136.
Molecular consequence: frameshift variant.
Genome position (GRCh38, 1-based): chr1:39,460,677, T deleted. VCF-style (leftmost placement, unchanged base first): chr1-39460676-GT-G. GRCh37 (hg19) VCF-style: chr1-39926348-GT-G.
Other names: c.9484del, p.Tyr3162fs (NM_001397473.1); c.15229del, p.Tyr5077fs (NM_012090.5); c.15229delT (NM_012090.5); short protein forms Y3162fs, Y5077fs, Y7136fs.
Identifiers: ClinVar variation 3061064 (VCV003061064.2), dbSNP rs2523329158, ClinGen allele CA2740090638.

ClinVar aggregate classification (germline): Uncertain significance (0 of 4 stars; one submission).

Conditions:
MACF1-related disorder. Also called: MACF1-related condition.

Submission:

PreventionGenetics, part of Exact Sciences
Classification: Uncertain significance for MACF1-related condition. Last evaluated: 2024-01-19. Review status: no assertion criteria provided. Collection method: clinical testing. Allele origin: germline.
Comment: The MACF1 c.15229delT variant is predicted to result in a frameshift and premature protein termination (p.Tyr5077Ilefs*5). To our knowledge, this variant has not been reported in the literature or in a large population database, indicating it is rare. This variant occurs in the spectrin repeat domain, where several missense variants have been associated with disease (Dobyns et al. 2018. PubMed ID: 30471716), and MACF1 is intolerant of loss-of-function variants based on gnomAD frequency data. However, to date MACF1 loss-of-function variants have not been definitively established to cause disease. Although we suspect that this variant may be pathogenic, at this time, the clinical significance is uncertain due to the absence of conclusive functional and genetic evidence.